The following is an entry in ClinVar:

ClinVar aggregate classification (germline): Uncertain significance (1 of 4 stars; one submission).

Submission:

GeneDx
Classification: Uncertain significance. Last evaluated: 2025-05-04. Review status: criteria provided, single submitter. Criteria: GeneDx Variant Classification Process June 2021. Collection method: clinical testing. Allele origin: germline.
Comment: Not observed at significant frequency in large population cohorts (gnomAD); In silico analysis supports that this missense variant has a deleterious effect on protein structure/function; Has not been previously published as pathogenic or benign to our knowledge

NM_000188.3(HK1):c.2285C>T (p.Thr762Ile)

Gene: HK1 (hexokinase 1; plus strand). Cytogenetic location: 10q22.1.
Variant type: single nucleotide variant.
Coding change: c.2285C>T on transcript NM_000188.3 (MANE Select); coding-DNA position 2285, C replaced by T.
Protein change: p.Thr762Ile; replaces threonine 762 with isoleucine.
Molecular consequence: missense variant.
Genome position (GRCh38, 1-based): chr10:69,395,015, C>T. VCF-style: chr10-69395015-C-T. GRCh37 (hg19) VCF-style: chr10-71154771-C-T.
Other names: c.2297C>T, p.Thr766Ile (NM_001322364.2, NM_001358263.1, NM_033497.3 and 1 more transcripts); c.2390C>T, p.Thr797Ile (NM_001322365.2); c.2201C>T, p.Thr734Ile (NM_001322366.1); c.2189C>T, p.Thr730Ile (NM_001322367.1); c.2282C>T, p.Thr761Ile (NM_033496.3); c.2249C>T, p.Thr750Ile (NM_033500.2); short protein forms T730I, T734I, T750I, T761I, T762I, T766I, T797I.
Identifiers: ClinVar variation 2580546 (VCV002580546.2), dbSNP rs2540470726, ClinGen allele CA376915834.
Genomic context (GRCh38, chr10:69,395,015, plus strand): 5'-AGAAGATGATCAGTGGTATGTACCTGGGTGAAATCGTCCGCAACATCTTAATCGACTTCA[C>T]CAAGAAGGGATTCCTCTTCCGAGGGCAGATCTCTGAGACGCTGAAGACCCGGGGCATCTT-3'
Protein context (NP_000179.2, residues 752-772): EIVRNILIDF[Thr762Ile]KKGFLFRGQI